The following is an entry in ClinVar:

ClinVar aggregate classification (germline): Uncertain significance (1 of 4 stars; one submission).

Conditions:
Charcot-Marie-Tooth disease type 2. Also called: Charcot-Marie-Tooth type 2. Identifiers: Orphanet 64746, MedGen C0270914, MONDO:0018993.

Allele frequency attached by ClinVar (database versions not stated): ExAC 0.00001; TOPMed 0.00002; gnomAD exomes below 0.00001; gnomAD 0.00001.
gnomAD v4.1: 4 of 1,613,858 alleles (0.00025%); highest among the groups gnomAD compares: East Asian, 0.0089%; no homozygotes.

Submission:

Labcorp Genetics (formerly Invitae), Labcorp
Classification: Uncertain significance for Charcot-Marie-Tooth disease type 2. Last evaluated: 2022-02-20. Review status: criteria provided, single submitter. Criteria: Invitae Variant Classification Sherloc (09022015). Collection method: clinical testing. Allele origin: germline.
Comment: In summary, the available evidence is currently insufficient to determine the role of this variant in disease. Therefore, it has been classified as a Variant of Uncertain Significance. Algorithms developed to predict the effect of missense changes on protein structure and function output the following: SIFT: "Tolerated"; PolyPhen-2: "Benign"; Align-GVGD: "Class C0". The alanine amino acid residue is found in multiple mammalian species, which suggests that this missense change does not adversely affect protein function. This variant has not been reported in the literature in individuals affected with AARS-related conditions. This variant is present in population databases (rs763540585, gnomAD 0.006%). This sequence change replaces valine, which is neutral and non-polar, with alanine, which is neutral and non-polar, at codon 480 of the AARS protein (p.Val480Ala).

NM_001605.3(AARS1):c.1439T>C (p.Val480Ala)

Gene: AARS1 (alanyl-tRNA synthetase 1; minus strand). Cytogenetic location: 16q22.1.
Variant type: single nucleotide variant.
Coding change: c.1439T>C on transcript NM_001605.3 (MANE Select); coding-DNA position 1439, T replaced by C.
Protein change: p.Val480Ala; replaces valine 480 with alanine.
Molecular consequence: missense variant.
Genome position (GRCh38, 1-based): chr16:70,265,011, A>G on the plus strand (T>C on the coding strand, the complement: AARS1 is on the minus strand). VCF-style: chr16-70265011-A-G. GRCh37 (hg19) VCF-style: chr16-70298914-A-G.
Other names: short protein forms V480A.
Identifiers: ClinVar variation 1985769 (VCV001985769.4), dbSNP rs763540585, ClinGen allele CA8140812.